The following is an entry in ClinVar:

NM_003038.5(SLC1A4):c.928G>A (p.Gly310Arg)

Gene: SLC1A4 (solute carrier family 1 member 4; plus strand). Cytogenetic location: 2p14.
Variant type: single nucleotide variant.
Coding change: c.928G>A on transcript NM_003038.5 (MANE Select); coding-DNA position 928, G replaced by A.
Protein change: p.Gly310Arg; replaces glycine 310 with arginine.
Molecular consequence: missense variant. On other transcripts: intron variant (1).
Genome position (GRCh38, 1-based): chr2:65,016,567, G>A. VCF-style: chr2-65016567-G-A. GRCh37 (hg19) VCF-style: chr2-65243701-G-A.
Other names: c.268G>A, p.Gly90Arg (NM_001348407.2, NM_001348406.2); c.141-1504G>A (NM_001193493.2); short protein forms G310R, G90R.
Identifiers: ClinVar variation 3372351 (VCV003372351.1).

ClinVar aggregate classification (germline): Uncertain significance (1 of 4 stars; one submission).

Submission:

GeneDx
Classification: Uncertain significance. Last evaluated: 2024-04-29. Review status: criteria provided, single submitter. Criteria: GeneDx Variant Classification Process June 2021. Collection method: clinical testing. Allele origin: germline. Affected: yes.
Comment: Not observed at significant frequency in large population cohorts (gnomAD); In silico analysis supports that this missense variant does not alter protein structure/function; Has not been previously published as pathogenic or benign to our knowledge